The following is an entry in ClinVar:

ClinVar aggregate classification (germline): Uncertain significance (1 of 4 stars; one submission).

Conditions:
Amyotrophic lateral sclerosis type 1 (ALS1). Also called: AMYOTROPHIC LATERAL SCLEROSIS 1, FAMILIAL. Identifiers: Orphanet 803, MedGen C1862939, MONDO:0007103, OMIM 105400.
Neuronopathy, distal hereditary motor, type 7B. Also called: NEURONOPATHY, DISTAL HEREDITARY MOTOR, AUTOSOMAL DOMINANT 14; NEURONOPATHY, DISTAL HEREDITARY MOTOR, HARDING TYPE VIIB; NEUROPATHY, DISTAL HEREDITARY MOTOR, HARDING TYPE VIIB; NEUROPATHY, DISTAL HEREDITARY MOTOR, WITH VOCAL CORD PARALYSIS, HARDING TYPE VIIB; HMN VIIB; LOWER MOTOR NEURON DISEASE, DYNACTIN TYPE. Identifiers: Orphanet 139589, MedGen C1843315, MONDO:0011879, OMIM 607641.
Perry syndrome. Also called: PARKINSONISM WITH ALVEOLAR HYPOVENTILATION AND MENTAL DEPRESSION. Identifiers: Orphanet 178509, MedGen C1868594, MONDO:0008201, OMIM 168605.

gnomAD v4.1: 1 of 1,614,190 alleles (0.000062%); highest among the groups gnomAD compares: Non-Finnish European, 0.000085%; no homozygotes.

Submission:

Labcorp Genetics (formerly Invitae), Labcorp
Classification: Uncertain significance for Amyotrophic lateral sclerosis type 1; Neuronopathy, distal hereditary motor, type 7B; Perry syndrome. Last evaluated: 2024-06-26. Review status: criteria provided, single submitter. Criteria: Invitae Variant Classification Sherloc (09022015). Collection method: clinical testing. Allele origin: germline.
Comment: This sequence change replaces serine, which is neutral and polar, with leucine, which is neutral and non-polar, at codon 958 of the DCTN1 protein (p.Ser958Leu). This variant is not present in population databases (gnomAD no frequency). This variant has not been reported in the literature in individuals affected with DCTN1-related conditions. Advanced modeling of protein sequence and biophysical properties (such as structural, functional, and spatial information, amino acid conservation, physicochemical variation, residue mobility, and thermodynamic stability) performed at Invitae indicates that this missense variant is not expected to disrupt DCTN1 protein function with a negative predictive value of 80%. In summary, the available evidence is currently insufficient to determine the role of this variant in disease. Therefore, it has been classified as a Variant of Uncertain Significance.

NM_004082.5(DCTN1):c.2873C>T (p.Ser958Leu)

Gene: DCTN1 (dynactin subunit 1; minus strand). Cytogenetic location: 2p13.1.
Variant type: single nucleotide variant.
Coding change: c.2873C>T on transcript NM_004082.5 (MANE Select); coding-DNA position 2873, C replaced by T.
Protein change: p.Ser958Leu; replaces serine 958 with leucine.
Molecular consequence: missense variant. On other transcripts: non-coding transcript variant (1).
Genome position (GRCh38, 1-based): chr2:74,365,906, G>A on the plus strand (C>T on the coding strand, the complement: DCTN1 is on the minus strand). VCF-style: chr2-74365906-G-A. GRCh37 (hg19) VCF-style: chr2-74593033-G-A.
Other names: c.2813C>T, p.Ser938Leu (NM_001135040.3); c.2471C>T, p.Ser824Leu (NM_001135041.3, NM_023019.4); c.2762C>T, p.Ser921Leu (NM_001190836.2); c.2852C>T, p.Ser951Leu (NM_001190837.2); c.2822C>T, p.Ser941Leu (NM_001378991.1); c.2804C>T, p.Ser935Leu (NM_001378992.1); short protein forms S824L, S921L, S935L, S938L, S941L, S951L, S958L.
Identifiers: ClinVar variation 3750044 (VCV003750044.2).
Genomic context (GRCh38, chr2:74,365,906, plus strand): 5'-CCTACCAATTTCCTGGCCCCCAGATCCTGAGCCTACACTACCCTCACCTTAATCTTGAGT[G>A]ACTTCTTCAACTCCTTAATAACTGTCTCTCGATCTTCGAGCTTCAAACCCAGGCCTTCAG-3'
Protein context (NP_004073.2, residues 948-968): RETVIKELKK[Ser958Leu]LKIKGEELSE